The following is an entry in ClinVar:

NM_003803.4(MYOM1):c.697G>C (p.Glu233Gln)

Gene: MYOM1 (myomesin 1; minus strand). Cytogenetic location: 18p11.31.
Variant type: single nucleotide variant.
Coding change: c.697G>C on transcript NM_003803.4 (MANE Select); coding-DNA position 697, G replaced by C.
Protein change: p.Glu233Gln; replaces glutamic acid 233 with glutamine.
Molecular consequence: missense variant.
Genome position (GRCh38, 1-based): chr18:3,188,822, C>G on the plus strand (G>C on the coding strand, the complement: MYOM1 is on the minus strand). VCF-style: chr18-3188822-C-G. GRCh37 (hg19) VCF-style: chr18-3188820-C-G.
Other names: c.697G>C, p.Glu233Gln (NM_019856.2); short protein forms E233Q.
Identifiers: ClinVar variation 4741816 (VCV004741816.1).

ClinVar aggregate classification (germline): Uncertain significance (1 of 4 stars; one submission).

Conditions:
Hypertrophic cardiomyopathy. Also called: HYPERTROPHIC MYOCARDIOPATHY. Identifiers: Orphanet 217569, MedGen C0007194, MeSH D002312, MONDO:0005045, HP:0001639.

gnomAD v4.1: 1 of 1,610,482 alleles (0.000062%); highest among the groups gnomAD compares: East Asian, 0.0022%; no homozygotes.

Submission:

Labcorp Genetics (formerly Invitae), Labcorp
Classification: Uncertain significance for Hypertrophic cardiomyopathy. Last evaluated: 2025-10-04. Review status: criteria provided, single submitter. Criteria: Invitae Variant Classification Sherloc (09022015). Collection method: clinical testing. Allele origin: germline.
Comment: This sequence change replaces glutamic acid, which is acidic and polar, with glutamine, which is neutral and polar, at codon 233 of the MYOM1 protein (p.Glu233Gln). This variant is not present in population databases (gnomAD no frequency). This variant has not been reported in the literature in individuals affected with MYOM1-related conditions. Invitae Evidence Modeling of protein sequence and biophysical properties (such as structural, functional, and spatial information, amino acid conservation, physicochemical variation, residue mobility, and thermodynamic stability) indicates that this missense variant is not expected to disrupt MYOM1 protein function with a negative predictive value of 80%. In summary, the available evidence is currently insufficient to determine the role of this variant in disease. Therefore, it has been classified as a Variant of Uncertain Significance.